The following is an entry in ClinVar:

ClinVar aggregate classification (germline): Uncertain significance (1 of 4 stars; one submission).

Allele frequency attached by ClinVar (database versions not stated): gnomAD exomes below 0.00001; ExAC 0.00001; TOPMed 0.00001; gnomAD 0.00002.
gnomAD v4.1: 14 of 1,613,990 alleles (0.00087%); highest among the groups gnomAD compares: African/African-American, 0.0013%; no homozygotes.

Submission:

Labcorp Genetics (formerly Invitae), Labcorp
Classification: Uncertain significance. Last evaluated: 2025-11-03. Review status: criteria provided, single submitter. Criteria: Invitae Variant Classification Sherloc (09022015). Collection method: clinical testing. Allele origin: germline.
Comment: This sequence change replaces histidine, which is basic and polar, with proline, which is neutral and non-polar, at codon 839 of the ERBIN protein (p.His839Pro). This variant is present in population databases (rs772584558, gnomAD 0.004%). This variant has not been reported in the literature in individuals affected with ERBIN-related conditions. ClinVar contains an entry for this variant (Variation ID: 1386505). An algorithm developed to predict the effect of missense changes on protein structure and function (PolyPhen-2) suggests that this variant is likely to be tolerated. In summary, the available evidence is currently insufficient to determine the role of this variant in disease. Therefore, it has been classified as a Variant of Uncertain Significance.

NM_001253697.2(ERBIN):c.2516A>C (p.His839Pro)

Gene: ERBIN (erbb2 interacting protein; plus strand). Cytogenetic location: 5q12.3.
Variant type: single nucleotide variant.
Coding change: c.2516A>C on transcript NM_001253697.2 (MANE Select); coding-DNA position 2516, A replaced by C.
Protein change: p.His839Pro; replaces histidine 839 with proline.
Molecular consequence: missense variant.
Genome position (GRCh38, 1-based): chr5:66,053,834, A>C. VCF-style: chr5-66053834-A-C. GRCh37 (hg19) VCF-style: chr5-65349662-A-C.
Other names: c.2516A>C, p.His839Pro (NM_001006600.3, NM_001253698.2, NM_001253699.2 and 1 more transcripts); c.2504A>C, p.His835Pro (NM_001253701.2); short protein forms H835P, H839P.
Identifiers: ClinVar variation 1386505 (VCV001386505.6), dbSNP rs772584558, ClinGen allele CA3286502.